The following is an entry in ClinVar:

NM_003238.6(TGFB2):c.593G>A (p.Trp198Ter)

Gene: TGFB2 (transforming growth factor beta 2; plus strand).
Variant type: single nucleotide variant.
Coding change: c.593G>A on transcript NM_003238.6 (MANE Select); coding-DNA position 593, G replaced by A.
Protein change: p.Trp198Ter; replaces tryptophan 198 with a stop codon.
Molecular consequence: nonsense. On other transcripts: non-coding transcript variant (2).
Other names: c.677G>A, p.Trp226Ter (NM_001135599.4); short protein forms W198*, W226*.
Identifiers: ClinVar variation 4686670 (VCV004686670.1).

ClinVar aggregate classification (germline): Likely pathogenic (1 of 4 stars; one submission).

Conditions:
Tall stature. Identifiers: MedGen C0241240, HP:0000098.
Joint laxity. Identifiers: MedGen C0086437.
Allergy. Identifiers: MedGen C0020517, MONDO:0005271, HP:0012393.

Submission:

Clinical Genetics Laboratory, Skane University Hospital Lund
Classification: Likely pathogenic for Joint laxity; Tall stature; Allergy. Last evaluated: 2026-01-27. Review status: criteria provided, single submitter. Criteria: ACMG Guidelines, 2015. Collection method: clinical testing. Allele origin: germline. Affected: yes.
Comment: ACMG criteria used: PVS1, PM2